The following is an entry in ClinVar:

ClinVar aggregate classification (germline): Uncertain significance (1 of 4 stars; one submission).

gnomAD v4.1: 3 of 1,614,108 alleles (0.00019%); highest among the groups gnomAD compares: Non-Finnish European, 0.00025%; no homozygotes.

Submission:

GeneDx
Classification: Uncertain significance. Last evaluated: 2025-04-16. Review status: criteria provided, single submitter. Criteria: GeneDx Variant Classification Process June 2021. Collection method: clinical testing. Allele origin: germline. Affected: yes.
Comment: Not observed at significant frequency in large population cohorts (gnomAD); In silico analysis indicates that this missense variant does not alter protein structure/function; Has not been previously published as pathogenic or benign to our knowledge

NM_016604.4(KDM3B):c.3004G>A (p.Val1002Ile)

Gene: KDM3B (lysine demethylase 3B; plus strand). Cytogenetic location: 5q31.2.
Variant type: single nucleotide variant.
Coding change: c.3004G>A on transcript NM_016604.4 (MANE Select); coding-DNA position 3004, G replaced by A.
Protein change: p.Val1002Ile; replaces valine 1002 with isoleucine.
Molecular consequence: missense variant.
Genome position (GRCh38, 1-based): chr5:138,398,350, G>A. VCF-style: chr5-138398350-G-A. GRCh37 (hg19) VCF-style: chr5-137734039-G-A.
Other names: short protein forms V1002I.
Identifiers: ClinVar variation 4282279 (VCV004282279.1).
Genomic context (GRCh38, chr5:138,398,350, plus strand): 5'-ATAGATCTAGAGACCTCAAAATACATCCTGGCCAATGTTGGGGACCAGTTCTGCCAGCTC[G>A]TAATGTCTGAGAAGGAGGCCATGATGATGGTGGAGCCACACCGTAAGTCACCTTCTCACT-3'
Protein context (NP_057688.3, residues 992-1012): ANVGDQFCQL[Val1002Ile]MSEKEAMMMV